The following is an entry in ClinVar:

NM_001271.4(CHD2):c.1876G>T (p.Asp626Tyr)

Gene: CHD2 (chromodomain helicase DNA binding protein 2; plus strand). Cytogenetic location: 15q26.1.
Variant type: single nucleotide variant.
Coding change: c.1876G>T on transcript NM_001271.4 (MANE Select); coding-DNA position 1876, G replaced by T.
Protein change: p.Asp626Tyr; replaces aspartic acid 626 with tyrosine.
Molecular consequence: missense variant.
Genome position (GRCh38, 1-based): chr15:92,956,525, G>T. VCF-style: chr15-92956525-G-T. GRCh37 (hg19) VCF-style: chr15-93499755-G-T.
Other names: short protein forms D626Y.
Identifiers: ClinVar variation 373526 (VCV000373526.1), dbSNP rs1057518462, ClinGen allele CA16042923.

ClinVar aggregate classification (germline): Uncertain significance (1 of 4 stars; one submission).

Allele frequency attached by ClinVar (database versions not stated): gnomAD exomes below 0.00001.
gnomAD v4.1: 1 of 1,613,974 alleles (0.000062%); highest among the groups gnomAD compares: Non-Finnish European, 0.000085%; no homozygotes.

Submission:

GeneDx
Classification: Uncertain significance. Last evaluated: 2016-11-22. Review status: criteria provided, single submitter. Criteria: GeneDx Variant Classification (06012015). Collection method: clinical testing. Allele origin: germline. Affected: yes.
Comment: A variant of uncertain significance has been identified in the CHD2 gene. The D626Y variant has not been published as a pathogenic variant, nor has it been reported as a benign variant to our knowledge. It was not observed in approximately 6,500 individuals of European and African American ancestry in the NHLBI Exome Sequencing Project, indicating it is not a common benign variant in these populations. The D626Y variant is a non-conservative amino acid substitution, which is likely to impact secondary protein structure as these residues differ in polarity, charge, size and/or other properties. This substitution occurs at a position that is conserved across species, and in silico analysis predicts this variant is probably damaging to the protein structure/function. Based on the currently available information, it is unclear whether this variant is a pathogenic variant or a rare benign variant.